The following is an entry in ClinVar:

ClinVar aggregate classification (germline): Pathogenic/Likely pathogenic. Review status: criteria provided, multiple submitters, no conflicts (2 of 4 stars). 2 submissions from 2 submitters: Pathogenic (1); Likely pathogenic (1). Last evaluated 2024-04-11.

Conditions:
Biotinidase deficiency. Also called: BTD deficiency; Late-onset biotin-responsive multiple carboxylase deficiency; Biotin deficiency. Identifiers: Orphanet 79241, MedGen C0220754, MONDO:0009665, OMIM 253260.

Submissions (2):

Fulgent Genetics
Classification: Likely pathogenic for Biotinidase deficiency. Last evaluated: 2024-04-11. Review status: criteria provided, single submitter. Criteria: ACMG Guidelines, 2015. Collection method: clinical testing. Allele origin: germline.

Women's Health and Genetics/Laboratory Corporation of America, LabCorp
Classification: Pathogenic for Biotinidase deficiency. Last evaluated: 2024-04-02. Review status: criteria provided, single submitter. Criteria: LabCorp Variant Classification Summary - May 2015. Collection method: clinical testing. Allele origin: germline.
Comment: Variant summary: BTD c.70_71delAC (p.Thr24ArgfsX7) results in a premature termination codon, predicted to cause a truncation of the encoded protein or absence of the protein due to nonsense mediated decay, which are commonly known mechanisms for disease. The variant was absent in 251430 control chromosomes. To our knowledge, no occurrence of c.70_71delAC in individuals affected with Biotinidase Deficiency and no experimental evidence demonstrating its impact on protein function have been reported. No submitters have cited clinical-significance assessments for this variant to ClinVar. Based on the evidence outlined above, the variant was classified as pathogenic.

NM_001370658.1(BTD):c.70_71del (p.Thr24fs)

Gene: BTD (biotinidase; plus strand). Cytogenetic location: 3p25.1.
Variant type: Microsatellite.
Coding change: c.70_71del on transcript NM_001370658.1 (MANE Select); coding-DNA positions 70 to 71, 2 bases deleted (AC; older notation c.70_71delAC).
Protein change: p.Thr24fs; shifts the reading frame from threonine 24.
Molecular consequence: frameshift variant.
Genome position (GRCh38, 1-based): chr3:15,635,509-15,635,510, AC deleted; deleting any 2 consecutive bases within chr3:15,635,506-15,635,510 gives the same sequence; the c. name uses the placement nearest the transcript's 3' end. VCF-style (leftmost placement, unchanged base first): chr3-15635505-CCA-C. GRCh37 (hg19) VCF-style: chr3-15677012-CCA-C.
Other names: c.70_71del, p.Thr24fs (NM_001281723.4, NM_001281724.3, NM_001281725.3 and 37 more transcripts); c.70_71delAC (NM_001370658.1); short protein forms T24fs.
Identifiers: ClinVar variation 3251587 (VCV003251587.2), dbSNP rs2471439812.
Genomic context (GRCh38, chr3:15,635,505, plus strand): 5'-TGGAGCCAGAAGTAAGCTTGCTCTTTTCCTCTGCGGCTGTTACGTGGTTGCCCTGGGAGC[CCA>C]CACCGGGGAGGAGAGCGTGGCTGACCATCACGAGGCTGAATATTATGTGGCTGCCGTGTA-3'